The following is an entry in ClinVar:

NM_153252.5(BRWD3):c.4726C>T (p.Leu1576Phe)

Gene: BRWD3 (bromodomain and WD repeat domain containing 3; minus strand). Cytogenetic location: Xq21.1.
Variant type: single nucleotide variant.
Coding change: c.4726C>T on transcript NM_153252.5 (MANE Select); coding-DNA position 4726, C replaced by T.
Protein change: p.Leu1576Phe; replaces leucine 1576 with phenylalanine.
Molecular consequence: missense variant.
Genome position (GRCh38, 1-based): chrX:80,677,292, G>A on the plus strand (C>T on the coding strand, the complement: BRWD3 is on the minus strand). VCF-style: chrX-80677292-G-A. GRCh37 (hg19) VCF-style: chrX-79932791-G-A.
Other names: c.4576C>T, p.Leu1526Phe (NM_001441339.1); short protein forms L1526F, L1576F.
Identifiers: ClinVar variation 4701697 (VCV004701697.1).

ClinVar aggregate classification (germline): Uncertain significance (1 of 4 stars; one submission).

Submission:

Labcorp Genetics (formerly Invitae), Labcorp
Classification: Uncertain significance. Last evaluated: 2025-06-23. Review status: criteria provided, single submitter. Criteria: Invitae Variant Classification Sherloc (09022015). Collection method: clinical testing. Allele origin: germline.
Comment: This sequence change replaces leucine, which is neutral and non-polar, with phenylalanine, which is neutral and non-polar, at codon 1576 of the BRWD3 protein (p.Leu1576Phe). This variant is not present in population databases (gnomAD no frequency). This variant has not been reported in the literature in individuals affected with BRWD3-related conditions. Invitae Evidence Modeling of protein sequence and biophysical properties (such as structural, functional, and spatial information, amino acid conservation, physicochemical variation, residue mobility, and thermodynamic stability) indicates that this missense variant is not expected to disrupt BRWD3 protein function with a negative predictive value of 95%. In summary, the available evidence is currently insufficient to determine the role of this variant in disease. Therefore, it has been classified as a Variant of Uncertain Significance.